The following is an entry in ClinVar:

ClinVar aggregate classification (germline): Uncertain significance (1 of 4 stars; one submission).

Conditions:
MYH9-related disorder. Identifiers: MedGen C1854520.

Submission:

PreventionGenetics, part of Exact Sciences
Classification: Uncertain significance for MYH9-related condition. Last evaluated: 2025-12-01. Review status: criteria provided, single submitter. Criteria: ACMG Guidelines, 2015. Collection method: clinical testing. Allele origin: germline.
Comment: The MYH9 c.2207G>A variant is predicted to result in the amino acid substitution p.Gly736Glu. To our knowledge, this variant has not been reported in the literature or in a large population database (gnomAD), indicating this variant is rare. At this time, the clinical significance of this variant is uncertain due to the absence of conclusive functional and genetic evidence.

NM_002473.6(MYH9):c.2207G>A (p.Gly736Glu)

Gene: MYH9 (myosin heavy chain 9; minus strand). Cytogenetic location: 22q12.3.
Variant type: single nucleotide variant.
Coding change: c.2207G>A on transcript NM_002473.6 (MANE Select); coding-DNA position 2207, G replaced by A.
Protein change: p.Gly736Glu; replaces glycine 736 with glutamic acid.
Molecular consequence: missense variant.
Genome position (GRCh38, 1-based): chr22:36,305,055, C>T on the plus strand (G>A on the coding strand, the complement: MYH9 is on the minus strand). VCF-style: chr22-36305055-C-T. GRCh37 (hg19) VCF-style: chr22-36701101-C-T.
Other names: short protein forms G736E.
Identifiers: ClinVar variation 4995846 (VCV004995846.1).